The following is an entry in ClinVar:

NM_205834.4(LSR):c.73G>T (p.Val25Phe)

Gene: LSR (lipolysis stimulated lipoprotein receptor; plus strand). Cytogenetic location: 19q13.12.
Variant type: single nucleotide variant.
Coding change: c.73G>T on transcript NM_205834.4 (MANE Select); coding-DNA position 73, G replaced by T.
Protein change: p.Val25Phe; replaces valine 25 with phenylalanine.
Molecular consequence: missense variant.
Genome position (GRCh38, 1-based): chr19:35,249,095, G>T. VCF-style: chr19-35249095-G-T. GRCh37 (hg19) VCF-style: chr19-35739998-G-T.
Other names: c.217G>T (NM_205834.3); c.73G>T, p.Val25Phe (NM_001260489.2, NM_001260490.2, NM_001385215.1 and 2 more transcripts); short protein forms V25F.
Identifiers: ClinVar variation 2746821 (VCV002746821.4), dbSNP rs200943005, ClinGen allele CA9374573.

ClinVar aggregate classification (germline): Likely benign. Review status: criteria provided, multiple submitters, no conflicts (2 of 4 stars). 2 submissions from 2 submitters: Likely benign (2). Last evaluated 2026-05-17.

Conditions:
LSR-related condition.

Allele frequency attached by ClinVar (database versions not stated): 1000 Genomes Project 0.00040; ExAC 0.00059; 1000 Genomes Project 30x 0.00062; ESP Exome Variant Server 0.00064; gnomAD 0.00098; TOPMed 0.00124.
gnomAD v4.1: 331 of 1,553,334 alleles (0.021%); highest among the groups gnomAD compares: African/African-American, 0.34%; 2 homozygotes.

Submissions (2):

PreventionGenetics, part of Exact Sciences
Classification: Likely benign for LSR-related condition. Last evaluated: 2026-05-17. Review status: criteria provided, single submitter. Criteria: ACMG Guidelines, 2015. Collection method: clinical testing. Allele origin: germline.
Comment: This variant is classified as likely benign based on ACMG/AMP sequence variant interpretation guidelines (Richards et al. 2015 PMID: 25741868, with internal and published modifications).

Labcorp Genetics (formerly Invitae), Labcorp
Classification: Likely benign. Last evaluated: 2025-06-13. Review status: criteria provided, single submitter. Criteria: Invitae Variant Classification Sherloc (09022015). Collection method: clinical testing. Allele origin: germline.